The following is an entry in ClinVar:

NM_002335.4(LRP5):c.602C>A (p.Thr201Asn)

Gene: LRP5 (LDL receptor related protein 5; plus strand). Cytogenetic location: 11q13.2.
Variant type: single nucleotide variant.
Coding change: c.602C>A on transcript NM_002335.4 (MANE Select); coding-DNA position 602, C replaced by A.
Protein change: p.Thr201Asn; replaces threonine 201 with asparagine.
Molecular consequence: missense variant. On other transcripts: 5 prime UTR variant (1).
Genome position (GRCh38, 1-based): chr11:68,357,763, C>A. VCF-style: chr11-68357763-C-A. GRCh37 (hg19) VCF-style: chr11-68125231-C-A.
Other names: c.-1164C>A (NM_001291902.2); short protein forms T201N.
Identifiers: ClinVar variation 1713883 (VCV001713883.5), dbSNP rs2496435783, ClinGen allele CA381611870.
Genomic context (GRCh38, chr11:68,357,763, plus strand): 5'-TGGATGGCAGCACCCGGAAGATCATTGTGGACTCGGACATTTACTGGCCCAATGGACTGA[C>A]CATCGACCTGGAGGAGCAGAAGCTCTACTGGGCTGACGCCAAGCTCAGCTTCATCCACCG-3'
Protein context (NP_002326.2, residues 191-211): DSDIYWPNGL[Thr201Asn]IDLEEQKLYW

ClinVar aggregate classification (germline): Uncertain significance (1 of 4 stars; one submission).

Submission:

Labcorp Genetics (formerly Invitae), Labcorp
Classification: Uncertain significance. Last evaluated: 2022-07-26. Review status: criteria provided, single submitter. Criteria: Invitae Variant Classification Sherloc (09022015). Collection method: clinical testing. Allele origin: germline.
Comment: In summary, the available evidence is currently insufficient to determine the role of this variant in disease. Therefore, it has been classified as a Variant of Uncertain Significance. This variant has not been reported in the literature in individuals affected with LRP5-related conditions. Advanced modeling of protein sequence and biophysical properties (such as structural, functional, and spatial information, amino acid conservation, physicochemical variation, residue mobility, and thermodynamic stability) performed at Invitae indicates that this missense variant is expected to disrupt LRP5 protein function. This sequence change replaces threonine, which is neutral and polar, with asparagine, which is neutral and polar, at codon 201 of the LRP5 protein (p.Thr201Asn). This variant is not present in population databases (gnomAD no frequency).